The following is an entry in ClinVar:

NM_015271.5(TRIM2):c.1968dup (p.Val657fs)

Gene: TRIM2 (tripartite motif containing 2; plus strand). Cytogenetic location: 4q31.3.
Variant type: Duplication.
Coding change: c.1968dup on transcript NM_015271.5 (MANE Select); coding-DNA position 1968, one base duplicated (T; older notation c.1968dupT).
Protein change: p.Val657fs; shifts the reading frame from valine 657.
Molecular consequence: frameshift variant.
Genome position (GRCh38, 1-based): chr4:153,324,094, T duplicated. VCF-style (leftmost placement, unchanged base first): chr4-153324093-C-CT. GRCh37 (hg19) VCF-style: chr4-154245245-C-CT.
Other names: c.1887dup, p.Val630fs (NM_001130067.2, NM_001375512.1, NM_001375513.1 and 5 more transcripts); c.1953dup, p.Val652fs (NM_001351054.2); c.1950dup, p.Val651fs (NM_001351055.2); c.1899dup, p.Val634fs (NM_001351056.2, NM_001438621.1, NM_001438622.1 and 2 more transcripts); c.1512dup, p.Val505fs (NM_001351057.2); c.2061dup, p.Val688fs (NM_001375488.1); c.2058dup, p.Val687fs (NM_001375489.1); c.1911dup, p.Val638fs (NM_001375490.1); and 7 more; short protein forms V505fs, V544fs, V545fs, V546fs, V630fs, V634fs, V637fs, V638fs.
Identifiers: ClinVar variation 4813761 (VCV004813761.1).

ClinVar aggregate classification (germline): Likely pathogenic (1 of 4 stars; one submission).

Conditions:
Charcot-Marie-Tooth disease type 2R. Also called: CHARCOT-MARIE-TOOTH DISEASE, AXONAL, AUTOSOMAL RECESSIVE, TYPE 2R; Charcot-Marie-Tooth disease, axonal, type 2R; CHARCOT-MARIE-TOOTH NEUROPATHY, TYPE 2R. Identifiers: Orphanet 397968, MedGen C3809655, MONDO:0014208, OMIM 615490.

Submission:

Variantyx, Inc.
Classification: Likely pathogenic for Charcot-Marie-Tooth disease type 2R. Last evaluated: 2025-07-07. Review status: criteria provided, single submitter. Criteria: Variantyx Assertion Criteria 2022. Collection method: clinical testing. Allele origin: germline. Inheritance: Autosomal recessive inheritance. Affected: no.
Comment: This is a frameshift variant in the TRIM2 gene (OMIM: 614141). Pathogenic variants in this gene have been associated with autosomal recessive Charcot-Marie-Tooth disease, type 2R. This variant introduces a premature termination codon in exon 10 out of 12 and is expected to result in loss of function, which is a known disease mechanism for TRIM2 in this disorder (PMID: 23562820) (PVS1). This variant is absent from control populations (PM2) and has not been reported in individuals with TRIM2-related disorders in the databases available for review. Based on the current evidence, this variant is classified as likely pathogenic for autosomal recessive Charcot-Marie-Tooth disease, type 2R.

Literature cited by the submitters: PubMed 23562820.